The following is an entry in ClinVar:

NM_001079802.2(FKTN):c.1009G>T (p.Asp337Tyr)

Gene: FKTN (fukutin; plus strand). Cytogenetic location: 9q31.2.
Variant type: single nucleotide variant.
Coding change: c.1009G>T on transcript NM_001079802.2 (MANE Select); coding-DNA position 1009, G replaced by T.
Protein change: p.Asp337Tyr; replaces aspartic acid 337 with tyrosine.
Molecular consequence: missense variant. On other transcripts: non-coding transcript variant (1).
Genome position (GRCh38, 1-based): chr9:105,618,057, G>T. VCF-style: chr9-105618057-G-T. GRCh37 (hg19) VCF-style: chr9-108380338-G-T.
Other names: c.1009G>T, p.Asp337Tyr (NM_001198963.2, NM_001351496.2, NM_001351498.2 and 1 more transcripts); c.940G>T, p.Asp314Tyr (NM_001351497.2); c.613G>T, p.Asp205Tyr (NM_001351499.2, NM_001351500.2, NM_001351501.2 and 1 more transcripts); short protein forms D337Y, D205Y, D314Y.
Identifiers: ClinVar variation 451582 (VCV000451582.11), dbSNP rs752721354, ClinGen allele CA5170544.
Genomic context (GRCh38, chr9:105,618,057, plus strand): 5'-GATGTTGACCTAGGAATTTTTATACAAGATTACAAATCTGATATTATTTTAGCATTTCAG[G>T]ATGCAGGACTTCCGCTCAAACACAAATTTGGGAAGGTCAGTAACAAAAGTCGGCTTCATT-3'
Protein context (NP_001073270.1, residues 327-347): YKSDIILAFQ[Asp337Tyr]AGLPLKHKFG

ClinVar aggregate classification (germline): Uncertain significance. Review status: criteria provided, multiple submitters, no conflicts (2 of 4 stars). 5 submissions from 5 submitters: Uncertain significance (4). 1 of the submissions does not count toward it. Last evaluated 2025-12-15.

Conditions:
Cardiovascular phenotype. Identifiers: MedGen CN230736.
Walker-Warburg congenital muscular dystrophy. Also called: Muscular dystrophy-dystroglycanopathy, type A; Walker-Warburg syndrome. Identifiers: Orphanet 899, MedGen C0265221, MONDO:0000171.

Allele frequency attached by ClinVar (database versions not stated): TOPMed 0.00001; ExAC 0.00002; gnomAD exomes 0.00001.
gnomAD v4.1: 2 of 1,611,816 alleles (0.00012%); highest among the groups gnomAD compares: Admixed American, 0.0033%; no homozygotes.

Submissions (5):

Ambry Genetics
Classification: Uncertain significance for Cardiovascular phenotype. Last evaluated: 2025-12-15. Review status: criteria provided, single submitter. Criteria: Ambry Variant Classification Scheme 2023. Collection method: clinical testing. Allele origin: germline.

Labcorp Genetics (formerly Invitae), Labcorp
Classification: Uncertain significance for Walker-Warburg congenital muscular dystrophy. Last evaluated: 2022-06-09. Review status: criteria provided, single submitter. Criteria: Invitae Variant Classification Sherloc (09022015). Collection method: clinical testing. Allele origin: germline.
Comment: This sequence change replaces aspartic acid, which is acidic and polar, with tyrosine, which is neutral and polar, at codon 337 of the FKTN protein (p.Asp337Tyr). This variant is present in population databases (rs752721354, gnomAD 0.006%). This missense change has been observed in individual(s) with clinical features of FKTN-related conditions (PMID: 21520333). ClinVar contains an entry for this variant (Variation ID: 451582). Algorithms developed to predict the effect of missense changes on protein structure and function are either unavailable or do not agree on the potential impact of this missense change (SIFT: "Deleterious"; PolyPhen-2: "Benign"; Align-GVGD: "Class C0"). Algorithms developed to predict the effect of sequence changes on RNA splicing suggest that this variant may disrupt the consensus splice site. In summary, the available evidence is currently insufficient to determine the role of this variant in disease. Therefore, it has been classified as a Variant of Uncertain Significance.

GeneDx
Classification: Uncertain significance. Last evaluated: 2017-08-23. Review status: criteria provided, single submitter. Criteria: GeneDx Variant Classification (06012015). Collection method: clinical testing. Allele origin: germline. Affected: yes.
Comment: A variant of uncertain significance has been identified in the FKTN gene. The D337Y variant has not been published as pathogenic or been reported as benign to our knowledge. This variant is not observed at a significant frequency in large population cohorts (Lek et al., 2016; 1000 Genomes Consortium et al., 2015; Exome Variant Server). The D337Y variant is a non-conservative amino acid substitution, which is likely to impact secondary protein structure as these residues differ in polarity, charge, size and/or other properties. Nevertheless, this substitution occurs at a position that is not conserved. Additionally, in silico analysis is inconsistent in its predictions as to whether or not the variant is damaging to the protein structure/function.

Eurofins Ntd Llc (ga)
Classification: Uncertain significance. Last evaluated: 2017-05-16. Review status: criteria provided, single submitter. Criteria: EGL Classification Definitions 2015. Collection method: clinical testing. Allele origin: germline. Observed: 1 variant allele, 1 heterozygote.

Natera, Inc.
Classification: Uncertain significance for Walker-Warburg congenital muscular dystrophy. Last evaluated: 2020-04-14. Review status: no assertion criteria provided. Collection method: clinical testing. Allele origin: germline. Not counted in ClinVar's aggregate classification.

Literature cited by the submitters: PubMed 21520333 (cited by Labcorp Genetics (formerly Invitae), Labcorp).